The following is an entry in ClinVar:

ClinVar aggregate classification (germline): Likely pathogenic (1 of 4 stars; one submission).

Conditions:
Microcephaly 18, primary, autosomal dominant (MCPH18). Identifiers: MedGen C4479608, MONDO:0054593, OMIM 617520.

Submission:

Juno Genomics, Hangzhou Juno Genomics, Inc
Classification: Likely pathogenic for Microcephaly 18, primary, autosomal dominant. Review status: criteria provided, single submitter. Criteria: ACMG Guidelines, 2015. Collection method: clinical testing. Allele origin: germline.
Comment: Absent from controls (or at extremely low frequency if recessive) in Genome Aggregation Database.;Null variant in a gene where loss of function (LOF) is a known mechanism of disease.

NM_014991.6(WDFY3):c.6235-1G>A

Gene: WDFY3 (WD repeat and FYVE domain containing 3; minus strand). Cytogenetic location: 4q21.23.
Variant type: single nucleotide variant.
Coding change: c.6235-1G>A on transcript NM_014991.6 (MANE Select); the canonical splice acceptor site of the intron before coding-DNA position 6235, G replaced by A.
Molecular consequence: splice acceptor variant.
Genome position (GRCh38, 1-based): chr4:84,740,417, C>T on the plus strand (G>A on the coding strand, the complement: WDFY3 is on the minus strand). VCF-style: chr4-84740417-C-T. GRCh37 (hg19) VCF-style: chr4-85661570-C-T.
Identifiers: ClinVar variation 5019830 (VCV005019830.2).